The following is an entry in ClinVar:

NM_004069.6(AP2S1):c.327+8C>T

Gene: AP2S1 (adaptor related protein complex 2 subunit sigma 1; minus strand). Cytogenetic location: 19q13.32.
Variant type: single nucleotide variant.
Coding change: c.327+8C>T on transcript NM_004069.6 (MANE Select); 8 bases into the intron after coding-DNA position 327, C replaced by T.
Molecular consequence: intron variant.
Genome position (GRCh38, 1-based): chr19:46,838,732, G>A on the plus strand (C>T on the coding strand, the complement: AP2S1 is on the minus strand). VCF-style: chr19-46838732-G-A. GRCh37 (hg19) VCF-style: chr19-47341989-G-A.
Other names: c.213+8C>T (NM_021575.5); c.369+8C>T (NM_001301078.3); c.333+8C>T (NM_001301081.3); c.375+8C>T (NM_001301076.3); c.327+8C>T (NM_004069.4).
Identifiers: ClinVar variation 1141389 (VCV001141389.17), dbSNP rs367711427, ClinGen allele CA9532933.

ClinVar aggregate classification (germline): Likely benign. Review status: criteria provided, multiple submitters, no conflicts (2 of 4 stars). 3 submissions from 3 submitters: Likely benign (2). 1 of the submissions does not count toward it. Last evaluated 2025-07-27.

Conditions:
AP2S1-related disorder. Also called: AP2S1-related condition.

Allele frequency attached by ClinVar (database versions not stated): gnomAD 0.00007 and 0.00009; TOPMed 0.00008; gnomAD exomes 0.00009 and 0.00012; ExAC 0.00020; ESP Exome Variant Server 0.00023.
gnomAD v4.1: 148 of 1,612,762 alleles (0.0092%); highest among the groups gnomAD compares: Non-Finnish European, 0.012%; no homozygotes.

Submissions (3):

Labcorp Genetics (formerly Invitae), Labcorp
Classification: Likely benign. Last evaluated: 2025-07-27. Review status: criteria provided, single submitter. Criteria: Invitae Variant Classification Sherloc (09022015). Collection method: clinical testing. Allele origin: germline.

Center for Genomic Medicine, Rigshospitalet, Copenhagen University Hospital
Classification: Likely benign. Last evaluated: 2025-03-04. Review status: criteria provided, single submitter. Criteria: ACMG Guidelines, 2015. Collection method: clinical testing. Allele origin: germline.

PreventionGenetics, part of Exact Sciences
Classification: Likely benign for AP2S1-related condition. Last evaluated: 2019-05-01. Review status: no assertion criteria provided. Collection method: clinical testing. Allele origin: germline. Not counted in ClinVar's aggregate classification.
Comment: This variant is classified as likely benign based on ACMG/AMP sequence variant interpretation guidelines (Richards et al. 2015 PMID: 25741868, with internal and published modifications).